The following is an entry in ClinVar:

NM_014989.7(RIMS1):c.3176C>G (p.Ser1059Cys)

Gene: RIMS1 (regulating synaptic membrane exocytosis 1; plus strand). Cytogenetic location: 6q13.
Variant type: single nucleotide variant.
Coding change: c.3176C>G on transcript NM_014989.7 (MANE Select); coding-DNA position 3176, C replaced by G.
Protein change: p.Ser1059Cys; replaces serine 1059 with cysteine.
Molecular consequence: missense variant. On other transcripts: intron variant (58).
Genome position (GRCh38, 1-based): chr6:72,265,034, C>G. VCF-style: chr6-72265034-C-G. GRCh37 (hg19) VCF-style: chr6-72974737-C-G.
Other names: c.1595C>G, p.Ser532Cys (NM_001350418.2, NM_001350434.2, NM_001350436.2); c.1598C>G, p.Ser533Cys (NM_001350458.2); c.1553C>G, p.Ser518Cys (NM_001350470.2); c.1470-926C>G (NM_001350428.2, NM_001350459.2, NM_001350424.2 and 1 more transcripts); c.1467-926C>G (NM_001350437.2, NM_001350430.2, NM_001350421.2 and 1 more transcripts); c.1539-926C>G (NM_001350433.2, NM_001350446.2, NM_001350442.2 and 8 more transcripts); c.1538+4267C>G (NM_001350431.2); c.1476-926C>G (NM_001350457.2); and 13 more; short protein forms S532C, S533C, S1059C, S518C.
Identifiers: ClinVar variation 966112 (VCV000966112.9), dbSNP rs1007717234, ClinGen allele CA140888225.

ClinVar aggregate classification (germline): Uncertain significance (1 of 4 stars; one submission).

Allele frequency attached by ClinVar (database versions not stated): TOPMed below 0.00001; gnomAD exomes 0.00001.
gnomAD v4.1: 7 of 1,587,732 alleles (0.00044%); highest among the groups gnomAD compares: Non-Finnish European, 0.00052%; no homozygotes.

Submission:

Labcorp Genetics (formerly Invitae), Labcorp
Classification: Uncertain significance. Last evaluated: 2023-05-05. Review status: criteria provided, single submitter. Criteria: Invitae Variant Classification Sherloc (09022015). Collection method: clinical testing. Allele origin: germline.
Comment: ClinVar contains an entry for this variant (Variation ID: 966112). An algorithm developed to predict the effect of missense changes on protein structure and function (PolyPhen-2) suggests that this variant is likely to be tolerated. In summary, the available evidence is currently insufficient to determine the role of this variant in disease. Therefore, it has been classified as a Variant of Uncertain Significance. This variant has not been reported in the literature in individuals affected with RIMS1-related conditions. This sequence change replaces serine, which is neutral and polar, with cysteine, which is neutral and slightly polar, at codon 1059 of the RIMS1 protein (p.Ser1059Cys). This variant is not present in population databases (gnomAD no frequency).